The following is an entry in ClinVar:

ClinVar aggregate classification (germline): Uncertain significance (1 of 4 stars; one submission).

Conditions:
Inborn genetic diseases. Identifiers: MedGen C0950123, MeSH D030342.

Submission:

Ambry Genetics
Classification: Uncertain significance for Inborn genetic diseases. Last evaluated: 2025-05-05. Review status: criteria provided, single submitter. Criteria: Ambry Variant Classification Scheme 2023. Collection method: clinical testing. Allele origin: germline.
Comment: The p.P165L variant (also known as c.494C>T), located in coding exon 3 of the HAX1 gene, results from a C to T substitution at nucleotide position 494. The proline at codon 165 is replaced by leucine, an amino acid with similar properties. This amino acid position is conserved. In addition, this alteration is predicted to be tolerated by in silico analysis. Based on the available evidence, the clinical significance of this variant remains unclear.

NM_006118.4(HAX1):c.494C>T (p.Pro165Leu)

Gene: HAX1 (HCLS1 associated protein X-1; plus strand). Cytogenetic location: 1q21.3.
Variant type: single nucleotide variant.
Coding change: c.494C>T on transcript NM_006118.4 (MANE Select); coding-DNA position 494, C replaced by T.
Protein change: p.Pro165Leu; replaces proline 165 with leucine.
Molecular consequence: missense variant.
Genome position (GRCh38, 1-based): chr1:154,273,951, C>T. VCF-style: chr1-154273951-C-T. GRCh37 (hg19) VCF-style: chr1-154246427-C-T.
Other names: c.350C>T, p.Pro117Leu (NM_001018837.2); short protein forms P165L, P117L.
Identifiers: ClinVar variation 4033853 (VCV004033853.1).
Genomic context (GRCh38, chr1:154,273,951, plus strand): 5'-TGGAGAGTGATGCAAGAAGTGAATCCCCCCAACCAGCACCAGACTGGGGCTCCCAGAGGC[C>T]ATTTCATAGGGTGAGTATCCCATCTGGTCCTGAAGTGAGAGCTTGTGAGAGACCACTAAT-3'
Protein context (NP_006109.2, residues 155-175): QPAPDWGSQR[Pro165Leu]FHRFDDVWPM